The following is an entry in ClinVar:

NM_000548.5(TSC2):c.4133C>G (p.Pro1378Arg)

Gene: TSC2 (TSC complex subunit 2; plus strand). Cytogenetic location: 16p13.3.
Variant type: single nucleotide variant.
Coding change: c.4133C>G on transcript NM_000548.5 (MANE Select); coding-DNA position 4133, C replaced by G.
Protein change: p.Pro1378Arg; replaces proline 1378 with arginine.
Molecular consequence: missense variant.
Genome position (GRCh38, 1-based): chr16:2,084,355, C>G. VCF-style: chr16-2084355-C-G. GRCh37 (hg19) VCF-style: chr16-2134356-C-G.
Other names: c.3932C>G, p.Pro1311Arg (NM_001077183.3); c.4064C>G, p.Pro1355Arg (NM_001114382.3); c.4004C>G, p.Pro1335Arg (NM_001370405.1, NM_021055.3); c.3824C>G, p.Pro1275Arg (NM_001318827.2); c.3788C>G, p.Pro1263Arg (NM_001318829.2); c.3401C>G, p.Pro1134Arg (NM_001318831.2); c.3965C>G, p.Pro1322Arg (NM_001318832.2); c.3935C>G, p.Pro1312Arg (NM_001363528.2); and 1 more; short protein forms P1134R, P1312R, P1355R, P1378R, P1263R, P1275R, P1311R, P1322R.
Identifiers: ClinVar variation 954023 (VCV000954023.12), dbSNP rs1596416159, ClinGen allele CA394299609.

ClinVar aggregate classification (germline): Uncertain significance. Review status: criteria provided, multiple submitters, no conflicts (2 of 4 stars). 2 submissions from 2 submitters: Uncertain significance (2). Last evaluated 2024-01-23.

Conditions:
Tuberous sclerosis 2 (TSC2). Identifiers: Orphanet 805, MedGen C1860707, MONDO:0013199, OMIM 613254.
Hereditary cancer-predisposing syndrome. Also called: Hereditary neoplastic syndrome; Tumor predisposition; Neoplastic Syndromes, Hereditary; Hereditary Cancer Syndrome. Identifiers: Orphanet 140162, MedGen C0027672, MeSH D009386, MONDO:0015356.

Allele frequency attached by ClinVar (database versions not stated): TOPMed below 0.00001.
gnomAD v4.1: 1 of 1,612,692 alleles (0.000062%); highest among the groups gnomAD compares: Non-Finnish European, 0.000085%; no homozygotes.

Submissions (2):

Ambry Genetics
Classification: Uncertain significance for Hereditary cancer-predisposing syndrome. Last evaluated: 2024-01-23. Review status: criteria provided, single submitter. Criteria: Ambry Variant Classification Scheme 2023. Collection method: clinical testing. Allele origin: germline.
Comment: The p.P1378R variant (also known as c.4133C>G), located in coding exon 33 of the TSC2 gene, results from a C to G substitution at nucleotide position 4133. The proline at codon 1378 is replaced by arginine, an amino acid with dissimilar properties. This amino acid position is not well conserved in available vertebrate species. In addition, this alteration is predicted to be deleterious by in silico analysis. Based on the available evidence, the clinical significance of this alteration remains unclear.

Labcorp Genetics (formerly Invitae), Labcorp
Classification: Uncertain significance for Tuberous sclerosis 2. Last evaluated: 2022-08-08. Review status: criteria provided, single submitter. Criteria: Invitae Variant Classification Sherloc (09022015). Collection method: clinical testing. Allele origin: germline.
Comment: This variant is not present in population databases (gnomAD no frequency). This variant has not been reported in the literature in individuals affected with TSC2-related conditions. ClinVar contains an entry for this variant (Variation ID: 954023). Advanced modeling of protein sequence and biophysical properties (such as structural, functional, and spatial information, amino acid conservation, physicochemical variation, residue mobility, and thermodynamic stability) performed at Invitae indicates that this missense variant is not expected to disrupt TSC2 protein function. In summary, the available evidence is currently insufficient to determine the role of this variant in disease. Therefore, it has been classified as a Variant of Uncertain Significance. This sequence change replaces proline, which is neutral and non-polar, with arginine, which is basic and polar, at codon 1378 of the TSC2 protein (p.Pro1378Arg).